The following is an entry in ClinVar:

NM_001077350.3(NPRL3):c.1352-10_1368del

Genes: HBA-LCR (alpha-globin locus control region; plus strand), NPRL3 (NPR3 like, GATOR1 complex subunit; minus strand). Cytogenetic location: 16p13.3.
Variant type: Deletion.
Coding change: c.1352-10_1368del on transcript NM_001077350.3 (MANE Select); 10 bases into the intron before coding-DNA position 1352 through coding-DNA position 1368, 27 bases deleted (TCCCCCACAGCCAGCAGCGATGACATG).
Molecular consequence: splice acceptor variant.
Genome position (GRCh38, 1-based): chr16:88,874-88,900, CATGTCATCGCTGCTGGCTGTGGGGGA deleted on the plus strand (TCCCCCACAGCCAGCAGCGATGACATG on the coding strand, the reverse complement: NPRL3 is on the minus strand); deleting any 27 consecutive bases within chr16:88,874-88,904 gives the same sequence; the c. name uses the placement nearest the transcript's 3' end. VCF-style (leftmost placement, unchanged base first): chr16-88873-TCATGTCATCGCTGCTGGCTGTGGGGGA-T. GRCh37 (hg19) VCF-style: chr16-138871-TCATGTCATCGCTGCTGGCTGTGGGGGA-T.
Other names: c.1118-10_1134del (NM_001243247.2); c.1277-10_1293del (NM_001243248.2, NM_001243249.2); c.815-10_831del (NM_001039476.3).
Identifiers: ClinVar variation 2815858 (VCV002815858.3), dbSNP rs2542799887, ClinGen allele CA2739269804.

ClinVar aggregate classification (germline): Likely pathogenic (1 of 4 stars; one submission).

Conditions:
Epilepsy, familial focal, with variable foci 3 (FFEVF3). Identifiers: MedGen C4310708, MONDO:0014925, OMIM 617118.

Submission:

Labcorp Genetics (formerly Invitae), Labcorp
Classification: Likely pathogenic for Epilepsy, familial focal, with variable foci 3. Last evaluated: 2022-11-23. Review status: criteria provided, single submitter. Criteria: Invitae Variant Classification Sherloc (09022015). Collection method: clinical testing. Allele origin: germline.
Comment: In summary, the currently available evidence indicates that the variant is pathogenic, but additional data are needed to prove that conclusively. Therefore, this variant has been classified as Likely Pathogenic. Algorithms developed to predict the effect of sequence changes on RNA splicing suggest that this variant may disrupt the consensus splice site. This variant has been observed in individual(s) with clinical features of NPRL3-related conditions (Invitae). This variant is not present in population databases (gnomAD no frequency). This variant results in the deletion of part of exon 13 (c.1352-10_1368del) of the NPRL3 gene. It is expected to disrupt RNA splicing. Variants that disrupt the donor or acceptor splice site typically lead to a loss of protein function (PMID: 16199547), and loss-of-function variants in NPRL3 are known to be pathogenic (PMID: 26285051, 26505888).

Literature cited by the submitters: PubMed 16199547; PubMed 26285051; PubMed 26505888.